The following is an entry in ClinVar:

ClinVar aggregate classification (germline): Pathogenic (1 of 4 stars; one submission).

Conditions:
Neurofibromatosis, type 1 (NF1). Also called: Neurofibromatosis, type I; VON RECKLINGHAUSEN DISEASE; Peripheral type neurofibromatosis; NEUROFIBROMATOSIS, TYPE I, SOMATIC. Identifiers: Orphanet 636, MedGen C0027831, MONDO:0018975, OMIM 162200. Disease mechanism: loss of function.

Submission:

Labcorp Genetics (formerly Invitae), Labcorp
Classification: Pathogenic for Neurofibromatosis, type 1. Last evaluated: 2019-01-26. Review status: criteria provided, single submitter. Criteria: Invitae Variant Classification Sherloc (09022015). Collection method: clinical testing. Allele origin: germline.
Comment: This variant has not been reported in the literature in individuals with NF1-related conditions. Loss-of-function variants in NF1 are known to be pathogenic (PMID: 10712197, 23913538). For these reasons, this variant has been classified as Pathogenic. This variant is not present in population databases (ExAC no frequency). This sequence change creates a premature translational stop signal (p.Ile2384Tyrfs*17) in the NF1 gene. It is expected to result in an absent or disrupted protein product.

Literature cited by the submitters: PubMed 10712197; PubMed 23913538.

NM_001042492.3(NF1):c.7212dup (p.Ile2405fs)

Gene: NF1 (neurofibromin 1; plus strand). Cytogenetic location: 17q11.2.
Variant type: Duplication.
Coding change: c.7212dup on transcript NM_001042492.3 (MANE Select); coding-DNA position 7212, one base duplicated (T; older notation c.7212dupT).
Protein change: p.Ile2405fs; shifts the reading frame from isoleucine 2405.
Molecular consequence: frameshift variant.
Genome position (GRCh38, 1-based): chr17:31,349,142, T duplicated. VCF-style (leftmost placement, unchanged base first): chr17-31349141-C-CT. GRCh37 (hg19) VCF-style: chr17-29676159-C-CT.
Other names: c.7149dup, p.Ile2384Tyrfs (NM_000267.4); short protein forms I2405fs, I2384fs.
Identifiers: ClinVar variation 864530 (VCV000864530.6), dbSNP rs2070074350, ClinGen allele CA916080698.
Genomic context (GRCh38, chr17:31,349,141, plus strand): 5'-TCTTACTTGTTTGTTTGTTTGTTTGTTTGTTTTTTGTAGGGTACAGGCATCCTTCACCTG[C>CT]TATTGTTGCAAGAACAGTCAGAATTTTACATACACTACTAACTCTGGTTAACAAACACAG-3'